The following is an entry in ClinVar:

NM_001170629.2(CHD8):c.4308C>G (p.Asp1436Glu)

Gene: CHD8 (chromodomain helicase DNA binding protein 8; minus strand). Cytogenetic location: 14q11.2.
Variant type: single nucleotide variant.
Coding change: c.4308C>G on transcript NM_001170629.2 (MANE Select); coding-DNA position 4308, C replaced by G.
Protein change: p.Asp1436Glu; replaces aspartic acid 1436 with glutamic acid.
Molecular consequence: missense variant.
Genome position (GRCh38, 1-based): chr14:21,400,937, G>C on the plus strand (C>G on the coding strand, the complement: CHD8 is on the minus strand). VCF-style: chr14-21400937-G-C. GRCh37 (hg19) VCF-style: chr14-21869096-G-C.
Other names: c.3471C>G, p.Asp1157Glu (NM_020920.4); short protein forms D1157E, D1436E.
Identifiers: ClinVar variation 4740637 (VCV004740637.1).
Genomic context (GRCh38, chr14:21,400,937, plus strand): 5'-ATATACCAGGAGATGCTTTTCCACCCGAAAGCAGTCAGTGCGCCCATAGGCATGATGACG[G>C]TCATGTCTGCGGGAGCGTGGCCGCTCATCATCCTCACTTTCCAAATCAGAGAATTCCACC-3'
Protein context (NP_001164100.1, residues 1426-1446): DDERPRSRRH[Asp1436Glu]RHHAYGRTDC

ClinVar aggregate classification (germline): Uncertain significance (1 of 4 stars; one submission).

gnomAD v4.1: 2 of 1,613,856 alleles (0.00012%); highest among the groups gnomAD compares: Admixed American, 0.0033%; no homozygotes.

Submission:

Labcorp Genetics (formerly Invitae), Labcorp
Classification: Uncertain significance. Last evaluated: 2025-04-02. Review status: criteria provided, single submitter. Criteria: Invitae Variant Classification Sherloc (09022015). Collection method: clinical testing. Allele origin: germline.
Comment: This sequence change replaces aspartic acid, which is acidic and polar, with glutamic acid, which is acidic and polar, at codon 1436 of the CHD8 protein (p.Asp1436Glu). This variant is present in population databases (rs114613223, gnomAD 0.006%). This variant has not been reported in the literature in individuals affected with CHD8-related conditions. Invitae Evidence Modeling of protein sequence and biophysical properties (such as structural, functional, and spatial information, amino acid conservation, physicochemical variation, residue mobility, and thermodynamic stability) indicates that this missense variant is not expected to disrupt CHD8 protein function with a negative predictive value of 95%. In summary, the available evidence is currently insufficient to determine the role of this variant in disease. Therefore, it has been classified as a Variant of Uncertain Significance.